The following is an entry in ClinVar:

NM_080860.4(RSPH1):c.377G>T (p.Gly126Val)

Gene: RSPH1 (radial spoke head component 1; minus strand). Cytogenetic location: 21q22.3.
Variant type: single nucleotide variant.
Coding change: c.377G>T on transcript NM_080860.4 (MANE Select); coding-DNA position 377, G replaced by T.
Protein change: p.Gly126Val; replaces glycine 126 with valine.
Molecular consequence: missense variant.
Genome position (GRCh38, 1-based): chr21:42,485,793, C>A on the plus strand (G>T on the coding strand, the complement: RSPH1 is on the minus strand). VCF-style: chr21-42485793-C-A. GRCh37 (hg19) VCF-style: chr21-43905903-C-A.
Other names: c.263G>T, p.Gly88Val (NM_001286506.2); short protein forms G126V, G88V.
Identifiers: ClinVar variation 1361555 (VCV001361555.8), dbSNP rs1334138475, ClinGen allele CA410365957.

ClinVar aggregate classification (germline): Pathogenic (1 of 4 stars; one submission).

Conditions:
Primary ciliary dyskinesia. Also called: Ciliary dyskinesia. Identifiers: Orphanet 244, MedGen C0008780, MONDO:0016575, HP:0012265.

Allele frequency attached by ClinVar (database versions not stated): gnomAD exomes 0.00001.
gnomAD v4.1: 3 of 1,614,162 alleles (0.00019%); highest among the groups gnomAD compares: South Asian, 0.0033%; no homozygotes.

Submission:

Labcorp Genetics (formerly Invitae), Labcorp
Classification: Pathogenic for Primary ciliary dyskinesia. Last evaluated: 2022-02-24. Review status: criteria provided, single submitter. Criteria: Invitae Variant Classification Sherloc (09022015). Collection method: clinical testing. Allele origin: germline.
Comment: This variant is present in population databases (no rsID available, gnomAD 0.006%). This sequence change replaces glycine, which is neutral and non-polar, with valine, which is neutral and non-polar, at codon 126 of the RSPH1 protein (p.Gly126Val). This missense change has been observed in individual(s) with clinical features of RSPH1-related conditions (Invitae). Algorithms developed to predict the effect of missense changes on protein structure and function (SIFT, PolyPhen-2, Align-GVGD) all suggest that this variant is likely to be disruptive. For these reasons, this variant has been classified as Pathogenic. This variant disrupts the p.Gly126 amino acid residue in RSPH1. Other variant(s) that disrupt this residue have been determined to be pathogenic (Invitae). This suggests that this residue is clinically significant, and that variants that disrupt this residue are likely to be disease-causing.